The following is an entry in ClinVar:

ClinVar aggregate classification (germline): Uncertain significance (0 of 4 stars; one submission).

Conditions:
DNMT3A-related disorder. Also called: DNMT3A-related condition; DNMT3A-related disorders.

Submission:

PreventionGenetics, part of Exact Sciences
Classification: Uncertain significance for DNMT3A-related condition. Last evaluated: 2024-06-16. Review status: no assertion criteria provided. Collection method: clinical testing. Allele origin: germline.
Comment: The DNMT3A c.1190A>C variant is predicted to result in the amino acid substitution p.Lys397Thr. To our knowledge, this variant has not been reported in the literature or in a large population database, indicating this variant is rare. At this time, the clinical significance of this variant is uncertain due to the absence of conclusive functional and genetic evidence.

NM_022552.5(DNMT3A):c.1190A>C (p.Lys397Thr)

Gene: DNMT3A (DNA methyltransferase 3 alpha; minus strand). Cytogenetic location: 2p23.3.
Variant type: single nucleotide variant.
Coding change: c.1190A>C on transcript NM_022552.5 (MANE Select); coding-DNA position 1190, A replaced by C.
Protein change: p.Lys397Thr; replaces lysine 397 with threonine.
Molecular consequence: missense variant. On other transcripts: non-coding transcript variant (1).
Genome position (GRCh38, 1-based): chr2:25,246,709, T>G on the plus strand (A>C on the coding strand, the complement: DNMT3A is on the minus strand). VCF-style: chr2-25246709-T-G. GRCh37 (hg19) VCF-style: chr2-25469578-T-G.
Other names: c.734A>C, p.Lys245Thr (NM_001320893.1); c.521A>C, p.Lys174Thr (NM_001375819.1); c.623A>C, p.Lys208Thr (NM_153759.3); c.1190A>C, p.Lys397Thr (NM_175629.2); short protein forms K174T, K208T, K245T, K397T.
Identifiers: ClinVar variation 3344383 (VCV003344383.1).